The following is an entry in ClinVar:

NM_000038.6(APC):c.6519A>G (p.Lys2173=)

Gene: APC (APC regulator of Wnt signaling pathway; plus strand). Cytogenetic location: 5q22.2.
Variant type: single nucleotide variant.
Coding change: c.6519A>G on transcript NM_000038.6 (MANE Select); coding-DNA position 6519, A replaced by G.
Protein change: p.Lys2173=; no amino-acid change (lysine 2173 retained).
Molecular consequence: synonymous variant.
Genome position (GRCh38, 1-based): chr5:112,842,113, A>G. VCF-style: chr5-112842113-A-G. GRCh37 (hg19) VCF-style: chr5-112177810-A-G.
Other names: c.6519A>G, p.Lys2173= (NM_001127510.3, NM_001354895.2); c.6465A>G, p.Lys2155= (NM_001127511.3); c.6573A>G, p.Lys2191= (NM_001354896.2); c.6549A>G, p.Lys2183= (NM_001354897.2); c.6444A>G, p.Lys2148= (NM_001354898.2); c.6435A>G, p.Lys2145= (NM_001354899.2); c.6396A>G, p.Lys2132= (NM_001354900.2); c.6342A>G, p.Lys2114= (NM_001354901.2); and 5 more.
Identifiers: ClinVar variation 1609614 (VCV001609614.11), dbSNP rs1483070589, ClinGen allele CA446210667.

ClinVar aggregate classification (germline): Benign/Likely benign. Review status: criteria provided, multiple submitters, no conflicts (2 of 4 stars). 3 submissions from 3 submitters: Benign (1); Likely benign (2). Last evaluated 2025-10-01.

Conditions:
Hereditary cancer-predisposing syndrome. Also called: Tumor predisposition; Hereditary Cancer Syndrome; Neoplastic Syndromes, Hereditary; Hereditary neoplastic syndrome. Identifiers: Orphanet 140162, MedGen C0027672, MeSH D009386, MONDO:0015356.
Familial adenomatous polyposis 1 (FAP1). Also called: FAMILIAL ADENOMATOUS POLYPOSIS 1, ATTENUATED; POLYPOSIS, ADENOMATOUS INTESTINAL. Identifiers: MedGen C2713442, MONDO:0021056, OMIM 175100. Disease mechanism: loss of function.

Allele frequency attached by ClinVar (database versions not stated): gnomAD exomes below 0.00001.
gnomAD v4.1: 1 of 1,611,546 alleles (0.000062%); highest among the groups gnomAD compares: Admixed American, 0.0017%; no homozygotes.

Submissions (3):

Labcorp Genetics (formerly Invitae), Labcorp
Classification: Likely benign for Familial adenomatous polyposis 1. Last evaluated: 2025-10-01. Review status: criteria provided, single submitter. Criteria: Invitae Variant Classification Sherloc (09022015). Collection method: clinical testing. Allele origin: germline.

Myriad Genetics, Inc.
Classification: Benign for Familial adenomatous polyposis 1. Last evaluated: 2024-04-04. Review status: criteria provided, single submitter. Criteria: Myriad Autosomal Dominant, Autosomal Recessive and X-Linked Classification Criteria (2023). Collection method: clinical testing. Allele origin: unknown.
Comment: This variant is considered benign. This variant is a silent/synonymous amino acid change and it is not expected to impact splicing.

Ambry Genetics
Classification: Likely benign for Hereditary cancer-predisposing syndrome. Last evaluated: 2021-12-15. Review status: criteria provided, single submitter. Criteria: Ambry Variant Classification Scheme 2023. Collection method: clinical testing. Allele origin: germline.